The following is an entry in ClinVar:

NM_000231.3(SGCG):c.*136T>C

Gene: SGCG (sarcoglycan gamma; plus strand). Cytogenetic location: 13q12.12.
Variant type: single nucleotide variant.
Coding change: c.*136T>C on transcript NM_000231.3 (MANE Select); 136 bases downstream of the stop codon, T replaced by C.
Molecular consequence: 3 prime UTR variant.
Genome position (GRCh38, 1-based): chr13:23,324,677, T>C. VCF-style: chr13-23324677-T-C. GRCh37 (hg19) VCF-style: chr13-23898816-T-C.
Other names: c.*136T>C (NM_001378244.1, NM_001378245.1, NM_001378246.1).
Identifiers: ClinVar variation 311484 (VCV000311484.7), dbSNP rs3751372, ClinGen allele CA10634033.

ClinVar aggregate classification (germline): Benign. Review status: criteria provided, multiple submitters, no conflicts (2 of 4 stars). 2 submissions from 2 submitters: Benign (2). Last evaluated 2018-07-15.

Conditions:
Sarcoglycanopathy. Identifiers: Orphanet 207052, MedGen C2936331, MONDO:0016140.

Allele frequency attached by ClinVar (database versions not stated): TOPMed 0.02330; 1000 Genomes Project 30x 0.04185; 1000 Genomes Project 0.04353.
gnomAD v4.1: 25,679 of 769,084 alleles (3.3%); highest among the groups gnomAD compares: East Asian, 13%; 804 homozygotes.

Submissions (2):

GeneDx
Classification: Benign. Last evaluated: 2018-07-15. Review status: criteria provided, single submitter. Criteria: GeneDx Variant Classification Process June 2021. Collection method: clinical testing. Allele origin: germline. Affected: yes.

Illumina Laboratory Services, Illumina
Classification: Benign for Sarcoglycanopathy. Last evaluated: 2018-01-12. Review status: criteria provided, single submitter. Criteria: ICSL Variant Classification Criteria 13 December 2019. Collection method: clinical testing. Allele origin: germline.
Comment: This variant was observed in the ICSL laboratory as part of a predisposition screen in an ostensibly healthy population. It had not been previously curated by ICSL or reported in the Human Gene Mutation Database (HGMD: prior to June 1st, 2018), and was therefore a candidate for classification through an automated scoring system. Utilizing variant allele frequency, disease prevalence and penetrance estimates, and inheritance mode, an automated score was calculated to assess if this variant is too frequent to cause the disease. Based on the score and internal cut-off values, a variant classified as benign is not then subjected to further curation. The score for this variant resulted in a classification of benign for this disease.